The following is an entry in ClinVar:

NM_001113378.2(FANCI):c.1477C>T (p.Leu493Phe)

Gene: FANCI (FA complementation group I; plus strand). Cytogenetic location: 15q26.1.
Variant type: single nucleotide variant.
Coding change: c.1477C>T on transcript NM_001113378.2 (MANE Select); coding-DNA position 1477, C replaced by T.
Protein change: p.Leu493Phe; replaces leucine 493 with phenylalanine.
Molecular consequence: missense variant.
Genome position (GRCh38, 1-based): chr15:89,281,265, C>T. VCF-style: chr15-89281265-C-T. GRCh37 (hg19) VCF-style: chr15-89824496-C-T.
Other names: c.1198C>T, p.Leu400Phe (NM_001376910.1); c.1477C>T, p.Leu493Phe (NM_001376911.1, NM_018193.3); short protein forms L400F, L493F.
Identifiers: ClinVar variation 1037909 (VCV001037909.9), dbSNP rs2053603881, ClinGen allele CA393743835.
Genomic context (GRCh38, chr15:89,281,265, plus strand): 5'-GTTCTTCAAAGTTGTTCTTCTAAAGTCACAGAAGCTTTTGACTATTTGTCCTTTCTGCCC[C>T]TTCAGACTGTACAAAGGCTGCTTAAGGCAGTGCAGGTAAGTCTTCAGATTCCCAAGTAAC-3'
Protein context (NP_001106849.1, residues 483-503): EAFDYLSFLP[Leu493Phe]QTVQRLLKAV

ClinVar aggregate classification (germline): Uncertain significance (1 of 4 stars; one submission).

Conditions:
Fanconi anemia (FA). Also called: Fanconi's anemia. Identifiers: Orphanet 84, MedGen C0015625, MeSH D005199, MONDO:0019391.

Allele frequency attached by ClinVar (database versions not stated): gnomAD exomes below 0.00001; TOPMed below 0.00001; gnomAD 0.00001.
gnomAD v4.1: 3 of 1,613,772 alleles (0.00019%); highest among the groups gnomAD compares: African/African-American, 0.0013%; no homozygotes.

Submission:

Labcorp Genetics (formerly Invitae), Labcorp
Classification: Uncertain significance for Fanconi anemia. Last evaluated: 2020-08-29. Review status: criteria provided, single submitter. Criteria: Invitae Variant Classification Sherloc (09022015). Collection method: clinical testing. Allele origin: germline.
Comment: This sequence change replaces leucine with phenylalanine at codon 493 of the FANCI protein (p.Leu493Phe). The leucine residue is highly conserved and there is a small physicochemical difference between leucine and phenylalanine. This variant is not present in population databases (ExAC no frequency). This variant has not been reported in the literature in individuals with FANCI-related conditions. Algorithms developed to predict the effect of missense changes on protein structure and function output the following: SIFT: "Tolerated"; PolyPhen-2: "Benign"; Align-GVGD: "Class C0". The phenylalanine amino acid residue is found in multiple mammalian species, suggesting that this missense change does not adversely affect protein function. These predictions have not been confirmed by published functional studies and their clinical significance is uncertain. In summary, the available evidence is currently insufficient to determine the role of this variant in disease. Therefore, it has been classified as a Variant of Uncertain Significance.